The following is an entry in ClinVar:

ClinVar aggregate classification (germline): Uncertain significance (1 of 4 stars; one submission).

Conditions:
Long QT syndrome (LQTS). Identifiers: MedGen C0023976, MeSH D008133, MONDO:0002442. Disease mechanism: loss of function. Inheritance: Various modes of inheritance.

Allele frequency attached by ClinVar (database versions not stated): gnomAD exomes below 0.00001.

Submission:

Labcorp Genetics (formerly Invitae), Labcorp
Classification: Uncertain significance for Long QT syndrome. Last evaluated: 2024-01-06. Review status: criteria provided, single submitter. Criteria: Invitae Variant Classification Sherloc (09022015). Collection method: clinical testing. Allele origin: germline.
Comment: This variant, c.10107_10112dup, results in the insertion of 2 amino acid(s) of the ANK2 protein (p.Lys3370_Thr3371dup), but otherwise preserves the integrity of the reading frame. This variant is not present in population databases (gnomAD no frequency). This variant has not been reported in the literature in individuals affected with ANK2-related conditions. In summary, the available evidence is currently insufficient to determine the role of this variant in disease. Therefore, it has been classified as a Variant of Uncertain Significance.

NM_001148.6(ANK2):c.10107_10112dup (p.Thr3371_Val3372insLysThr)

Gene: ANK2 (ankyrin 2; plus strand). Cytogenetic location: 4q26.
Variant type: Duplication.
Coding change: c.10107_10112dup on transcript NM_001148.6 (MANE Select); coding-DNA positions 10107 to 10112, 6 bases duplicated (GAAGAC; older notation c.10107_10112dupGAAGAC).
Protein change: p.Thr3371_Val3372insLysThr.
Molecular consequence: inframe insertion. On other transcripts: intron variant (68).
Genome position (GRCh38, 1-based): chr4:113,358,725-113,358,730, GAAGAC duplicated. VCF-style (leftmost placement, unchanged base first): chr4-113358724-A-AGAAGAC. GRCh37 (hg19) VCF-style: chr4-114279880-A-AGAAGAC.
Other names: c.4412-2098_4412-2093dup (NM_001386186.2, NM_001386148.2); c.4214-2098_4214-2093dup (NM_001354269.3); c.4292-2098_4292-2093dup (NM_001386187.2); c.4253-2098_4253-2093dup (NM_001386147.1); c.4271-2098_4271-2093dup (NM_001386160.1); c.4376-2098_4376-2093dup (NM_001354254.2); c.4397-2098_4397-2093dup (NM_001354239.2, NM_001354252.2); c.4298-2098_4298-2093dup (NM_001354272.2); and 35 more.
Identifiers: ClinVar variation 2708005 (VCV002708005.3), dbSNP rs2506020117, ClinGen allele CA2671804989.